The following is an entry in ClinVar:

NM_004727.3(SLC24A1):c.638C>T (p.Ala213Val)

Gene: SLC24A1 (solute carrier family 24 member 1; plus strand). Cytogenetic location: 15q22.31.
Variant type: single nucleotide variant.
Coding change: c.638C>T on transcript NM_004727.3 (MANE Select); coding-DNA position 638, C replaced by T.
Protein change: p.Ala213Val; replaces alanine 213 with valine.
Molecular consequence: missense variant.
Genome position (GRCh38, 1-based): chr15:65,624,718, C>T. VCF-style: chr15-65624718-C-T. GRCh37 (hg19) VCF-style: chr15-65917056-C-T.
Other names: c.638C>T, p.Ala213Val (NM_001301031.1, NM_001301032.1, NM_001301033.2); c.638C>T (NM_004727.2); short protein forms A213V.
Identifiers: ClinVar variation 1026752 (VCV001026752.7), dbSNP rs375544210, ClinGen allele CA7619779.

ClinVar aggregate classification (germline): Conflicting classifications of pathogenicity. Review status: criteria provided, conflicting classifications (1 of 4 stars). 3 submissions from 3 submitters: Uncertain significance (2); Likely benign (1). Last evaluated 2024-10-23.

Conditions:
Inborn genetic diseases. Identifiers: MedGen C0950123, MeSH D030342.

Allele frequency attached by ClinVar (database versions not stated): gnomAD exomes 0.00002 and 0.00005; ExAC 0.00005; ESP Exome Variant Server 0.00008; gnomAD 0.00013 and 0.00016; TOPMed 0.00027.
gnomAD v4.1: 55 of 1,611,064 alleles (0.0034%); highest among the groups gnomAD compares: African/African-American, 0.036%; 1 homozygote.

Submissions (4):

Labcorp Genetics (formerly Invitae), Labcorp
Classification: Uncertain significance. Last evaluated: 2024-10-23. Review status: criteria provided, single submitter. Criteria: Invitae Variant Classification Sherloc (09022015). Collection method: clinical testing. Allele origin: germline.
Comment: This sequence change replaces alanine, which is neutral and non-polar, with valine, which is neutral and non-polar, at codon 213 of the SLC24A1 protein (p.Ala213Val). This variant is present in population databases (rs375544210, gnomAD 0.04%). This variant has not been reported in the literature in individuals affected with SLC24A1-related conditions. ClinVar contains an entry for this variant (Variation ID: 1026752). An algorithm developed to predict the effect of missense changes on protein structure and function outputs the following: PolyPhen-2: "Benign". The valine amino acid residue is found in multiple mammalian species, which suggests that this missense change does not adversely affect protein function. In summary, the available evidence is currently insufficient to determine the role of this variant in disease. Therefore, it has been classified as a Variant of Uncertain Significance.

Ambry Genetics
Classification: Uncertain significance for Inborn genetic diseases. Last evaluated: 2023-12-22. Review status: criteria provided, single submitter. Criteria: Ambry Variant Classification Scheme 2023. Collection method: clinical testing. Allele origin: germline.

Blueprint Genetics
Classification: Likely benign. Last evaluated: 2022-06-09. Review status: criteria provided, single submitter. Criteria: ACMG Guidelines, 2015. Collection method: clinical testing. Allele origin: germline.

Dr. Peter K. Rogan Lab, Western University
No classification provided (evidence only). Condition: Uterine corpus endometrial carcinoma. Review status: no classification provided. Collection method: in vitro. Allele origin: not applicable. Functional consequence: retained intron. Not counted in ClinVar's aggregate classification.